The following is an entry in ClinVar:

ClinVar aggregate classification (germline): Conflicting classifications of pathogenicity. Review status: criteria provided, conflicting classifications (1 of 4 stars). 2 submissions from 2 submitters: Uncertain significance (1); Likely benign (1). Last evaluated 2025-12-09.

Conditions:
Inborn genetic diseases. Identifiers: MedGen C0950123, MeSH D030342.

gnomAD v4.1: 2 of 1,613,300 alleles (0.00012%); highest among the groups gnomAD compares: Non-Finnish European, 0.00017%; no homozygotes.

Submissions (2):

Mayo Clinic Laboratories, Mayo Clinic
Classification: Uncertain significance. Last evaluated: 2025-12-09. Review status: criteria provided, single submitter. Criteria: ACMG Guidelines, 2015. Collection method: clinical testing. Allele origin: germline. Observed: 1 variant allele.
Comment: BP4_moderate, PM2_supporting

Ambry Genetics
Classification: Likely benign for Inborn genetic diseases. Last evaluated: 2025-08-29. Review status: criteria provided, single submitter. Criteria: Ambry Variant Classification Scheme 2023. Collection method: clinical testing. Allele origin: germline.

NM_000186.4(CFH):c.296C>T (p.Thr99Ile)

Gene: CFH (complement factor H; plus strand). Cytogenetic location: 1q31.3.
Variant type: single nucleotide variant.
Coding change: c.296C>T on transcript NM_000186.4 (MANE Select); coding-DNA position 296, C replaced by T.
Protein change: p.Thr99Ile; replaces threonine 99 with isoleucine.
Molecular consequence: missense variant.
Genome position (GRCh38, 1-based): chr1:196,673,908, C>T. VCF-style: chr1-196673908-C-T. GRCh37 (hg19) VCF-style: chr1-196643038-C-T.
Other names: p.Thr99Ile; c.296C>T, p.Thr99Ile (NM_001014975.3); short protein forms T99I.
Identifiers: ClinVar variation 4227301 (VCV004227301.2).